The following is an entry in ClinVar:

ClinVar aggregate classification (germline): Uncertain significance. Review status: criteria provided, multiple submitters, no conflicts (2 of 4 stars). 2 submissions from 2 submitters: Uncertain significance (2). Last evaluated 2023-11-22.

Conditions:
Hereditary cancer-predisposing syndrome. Also called: Hereditary neoplastic syndrome; Tumor predisposition; Hereditary Cancer Syndrome; Neoplastic Syndromes, Hereditary. Identifiers: Orphanet 140162, MedGen C0027672, MeSH D009386, MONDO:0015356.

Allele frequency attached by ClinVar (database versions not stated): gnomAD 0.00001.
gnomAD v4.1: 1 of 1,613,754 alleles (0.000062%); highest among the groups gnomAD compares: Non-Finnish European, 0.000085%; no homozygotes.

Submissions (2):

Ambry Genetics
Classification: Uncertain significance for Hereditary cancer-predisposing syndrome. Last evaluated: 2023-11-22. Review status: criteria provided, single submitter. Criteria: Ambry Variant Classification Scheme 2023. Collection method: clinical testing. Allele origin: germline.
Comment: The p.I761L variant (also known as c.2281A>T), located in coding exon 14 of the RAD50 gene, results from an A to T substitution at nucleotide position 2281. The isoleucine at codon 761 is replaced by leucine, an amino acid with highly similar properties. This amino acid position is conserved. In addition, this alteration is predicted to be tolerated by in silico analysis. Since supporting evidence is limited at this time, the clinical significance of this alteration remains unclear.

Labcorp Genetics (formerly Invitae), Labcorp
Classification: Uncertain significance for Hereditary cancer-predisposing syndrome. Last evaluated: 2022-04-15. Review status: criteria provided, single submitter. Criteria: Invitae Variant Classification Sherloc (09022015). Collection method: clinical testing. Allele origin: germline.
Comment: This sequence change replaces isoleucine, which is neutral and non-polar, with leucine, which is neutral and non-polar, at codon 761 of the RAD50 protein (p.Ile761Leu). This variant is not present in population databases (gnomAD no frequency). This variant has not been reported in the literature in individuals affected with RAD50-related conditions. Algorithms developed to predict the effect of missense changes on protein structure and function (SIFT, PolyPhen-2, Align-GVGD) all suggest that this variant is likely to be tolerated. In summary, the available evidence is currently insufficient to determine the role of this variant in disease. Therefore, it has been classified as a Variant of Uncertain Significance.

NM_005732.4(RAD50):c.2281A>T (p.Ile761Leu)

Gene: RAD50 (RAD50 double strand break repair protein; plus strand). Cytogenetic location: 5q31.1.
Variant type: single nucleotide variant.
Coding change: c.2281A>T on transcript NM_005732.4 (MANE Select); coding-DNA position 2281, A replaced by T.
Protein change: p.Ile761Leu; replaces isoleucine 761 with leucine.
Molecular consequence: missense variant.
Genome position (GRCh38, 1-based): chr5:132,603,373, A>T. VCF-style: chr5-132603373-A-T. GRCh37 (hg19) VCF-style: chr5-131939065-A-T.
Other names: c.2281A>T (NM_005732.3); short protein forms I761L.
Identifiers: ClinVar variation 2126141 (VCV002126141.5), dbSNP rs1750921919, ClinGen allele CA360954289.